The following is an entry in ClinVar:

NM_000051.4(ATM):c.8395T>C (p.Phe2799Leu)

Genes: ATM (ATM serine/threonine kinase; plus strand), C11orf65 (chromosome 11 open reading frame 65; minus strand). Cytogenetic location: 11q22.3.
Variant type: single nucleotide variant.
Coding change: c.8395T>C on transcript NM_000051.4 (MANE Select); coding-DNA position 8395, T replaced by C.
Protein change: p.Phe2799Leu; replaces phenylalanine 2799 with leucine.
Molecular consequence: missense variant. On other transcripts: intron variant (2).
Genome position (GRCh38, 1-based): chr11:108,343,348, T>C. VCF-style: chr11-108343348-T-C. GRCh37 (hg19) VCF-style: chr11-108214075-T-C.
Other names: c.8395T>C, p.Phe2799Leu (NM_001351834.2); c.641-34277A>G (NM_001330368.2); c.695-8056A>G (NM_001351110.2); short protein forms F2799L.
Identifiers: ClinVar variation 3967087 (VCV003967087.1).
Genomic context (GRCh38, chr11:108,343,348, plus strand): 5'-TTTCTTGTTAACAATGAAGATGGTGCTCATAAAAGATACAGGCCAAATGATTTCAGTGCC[T>C]TTCAGTGCCAAAAGAAAATGATGGTGAGTGACACCCAAAATTAAAGGTTATTGTAAGATT-3'
Protein context (NP_000042.3, residues 2789-2809): KRYRPNDFSA[Phe2799Leu]QCQKKMMEVQ

ClinVar aggregate classification (germline): Uncertain significance (1 of 4 stars; one submission).

Conditions:
Hereditary cancer-predisposing syndrome. Also called: Neoplastic Syndromes, Hereditary; Tumor predisposition; Hereditary Cancer Syndrome; Hereditary neoplastic syndrome. Identifiers: Orphanet 140162, MedGen C0027672, MeSH D009386, MONDO:0015356.

Submission:

Ambry Genetics
Classification: Uncertain significance for Hereditary cancer-predisposing syndrome. Last evaluated: 2025-05-15. Review status: criteria provided, single submitter. Criteria: Ambry Variant Classification Scheme 2023. Collection method: clinical testing. Allele origin: germline.
Comment: The p.F2799L variant (also known as c.8395T>C), located in coding exon 56 of the ATM gene, results from a T to C substitution at nucleotide position 8395. The phenylalanine at codon 2799 is replaced by leucine, an amino acid with highly similar properties. This amino acid position is conserved. In addition, this alteration is predicted to be tolerated by in silico analysis. Based on the available evidence, the clinical significance of this variant remains unclear.